The following is an entry in ClinVar:

ClinVar aggregate classification (germline): Likely benign. Review status: criteria provided, multiple submitters, no conflicts (2 of 4 stars). 3 submissions from 3 submitters: Likely benign (2). 1 of the submissions does not count toward it. Last evaluated 2025-11-18.

Conditions:
Bardet-Biedl syndrome (BBS). Identifiers: Orphanet 110, MedGen C0752166, MONDO:0015229.
WDPCP-related disorder. Also called: WDPCP-related condition.

Allele frequency attached by ClinVar (database versions not stated): gnomAD exomes below 0.00001; ExAC 0.00002.
gnomAD v4.1: 11 of 1,613,264 alleles (0.00068%); highest among the groups gnomAD compares: Middle Eastern, 0.066%; no homozygotes.

Submissions (3):

Labcorp Genetics (formerly Invitae), Labcorp
Classification: Likely benign for Bardet-Biedl syndrome. Last evaluated: 2025-11-18. Review status: criteria provided, single submitter. Criteria: Invitae Variant Classification Sherloc (09022015). Collection method: clinical testing. Allele origin: germline.

Blueprint Genetics
Classification: Likely benign. Last evaluated: 2023-12-28. Review status: criteria provided, single submitter. Criteria: ACMG Guidelines, 2015. Collection method: clinical testing. Allele origin: germline.

PreventionGenetics, part of Exact Sciences
Classification: Likely benign for WDPCP-related condition. Last evaluated: 2023-10-26. Review status: no assertion criteria provided. Collection method: clinical testing. Allele origin: germline. Not counted in ClinVar's aggregate classification.
Comment: This variant is classified as likely benign based on ACMG/AMP sequence variant interpretation guidelines (Richards et al. 2015 PMID: 25741868, with internal and published modifications).

NM_015910.7(WDPCP):c.1695A>G (p.Glu565=)

Gene: WDPCP (WD repeat containing planar cell polarity effector; minus strand). Cytogenetic location: 2p15.
Variant type: single nucleotide variant.
Coding change: c.1695A>G on transcript NM_015910.7 (MANE Select); coding-DNA position 1695, A replaced by G.
Protein change: p.Glu565=; no amino-acid change (glutamic acid 565 retained).
Molecular consequence: synonymous variant. On other transcripts: non-coding transcript variant (3).
Genome position (GRCh38, 1-based): chr2:63,378,439, T>C on the plus strand (A>G on the coding strand, the complement: WDPCP is on the minus strand). VCF-style: chr2-63378439-T-C. GRCh37 (hg19) VCF-style: chr2-63605574-T-C.
Other names: c.1218A>G, p.Glu406= (NM_001042692.3); c.1623A>G, p.Glu541= (NM_001354044.2); c.1695A>G, p.Glu565= (NM_001354045.2).
Identifiers: ClinVar variation 3045245 (VCV003045245.4), dbSNP rs749524683, ClinGen allele CA1682156.